The following is an entry in ClinVar:

NC_000016.9:g.(?_68863547)_(68867402_?)del

Gene: CDH1 (cadherin 1; plus strand). Cytogenetic location: 16q22.1.
Variant type: Deletion.
Identifiers: ClinVar variation 1072981 (VCV001072981.6).

ClinVar aggregate classification (germline): Pathogenic (1 of 4 stars; one submission).

Conditions:
Hereditary diffuse gastric adenocarcinoma (HDGC). Also called: DIFFUSE GASTRIC AND LOBULAR BREAST CANCER SYNDROME. Identifiers: Orphanet 26106, MedGen C1708349, MONDO:0007648, OMIM 137215.

Submission:

Labcorp Genetics (formerly Invitae), Labcorp
Classification: Pathogenic for Hereditary diffuse gastric adenocarcinoma. Last evaluated: 2022-12-26. Review status: criteria provided, single submitter. Criteria: Invitae Variant Classification Sherloc (09022015). Collection method: clinical testing. Allele origin: germline.
Comment: For these reasons, this variant has been classified as Pathogenic. This variant disrupts a region of the CDH1 protein in which other variant(s) (Deletion of exon 16) have been determined to be pathogenic (PMID: 19168852, 22850631). This suggests that this is a clinically significant region of the protein, and that variants that disrupt it are likely to be disease-causing. This variant has not been reported in the literature in individuals affected with CDH1-related conditions. This variant is a gross deletion of the genomic region encompassing exon(s) 15-16 of the CDH1 gene, which includes the termination codon. This deletion extends beyond the assayed region for this gene and therefore may encompass additional genes. While this deletion is not anticipated to lead to nonsense mediated decay, it is expected to alter mRNA translation or result in a truncated protein product.

Literature cited by the submitters: PubMed 19168852; PubMed 22850631.